The following is an entry in ClinVar:

NM_000361.3(THBD):c.1375C>T (p.Pro459Ser)

Gene: THBD (thrombomodulin; minus strand). Cytogenetic location: 20p11.21.
Variant type: single nucleotide variant.
Coding change: c.1375C>T on transcript NM_000361.3 (MANE Select); coding-DNA position 1375, C replaced by T.
Protein change: p.Pro459Ser; replaces proline 459 with serine.
Molecular consequence: missense variant.
Genome position (GRCh38, 1-based): chr20:23,048,130, G>A on the plus strand (C>T on the coding strand, the complement: THBD is on the minus strand). VCF-style: chr20-23048130-G-A. GRCh37 (hg19) VCF-style: chr20-23028767-G-A.
Other names: short protein forms P459S.
Identifiers: ClinVar variation 1721565 (VCV001721565.6), dbSNP rs2515203147, ClinGen allele CA408405649.

ClinVar aggregate classification (germline): Uncertain significance. Review status: criteria provided, multiple submitters, no conflicts (2 of 4 stars). 2 submissions from 2 submitters: Uncertain significance (2). Last evaluated 2024-03-10.

Conditions:
Thrombomodulin-related bleeding disorder (THPH12). Also called: Thrombophilia due to thrombomodulin defect. Identifiers: Orphanet 436169, MedGen C3280976, MONDO:0013775, OMIM 614486.
Atypical hemolytic-uremic syndrome with thrombomodulin anomaly. Also called: HEMOLYTIC UREMIC SYNDROME, ATYPICAL, SUSCEPTIBILITY TO, 6; AHUS, SUSCEPTIBILITY TO, 6. Identifiers: MedGen C2752036, MONDO:0013044, OMIM 612926. Disease mechanism: gain of function.

Submissions (2):

Fulgent Genetics
Classification: Uncertain significance for Atypical hemolytic-uremic syndrome with thrombomodulin anomaly; Thrombomodulin-related bleeding disorder. Last evaluated: 2024-03-10. Review status: criteria provided, single submitter. Criteria: ACMG Guidelines, 2015. Collection method: clinical testing. Allele origin: germline.

Labcorp Genetics (formerly Invitae), Labcorp
Classification: Uncertain significance. Last evaluated: 2022-10-13. Review status: criteria provided, single submitter. Criteria: Invitae Variant Classification Sherloc (09022015). Collection method: clinical testing. Allele origin: germline.
Comment: In summary, the available evidence is currently insufficient to determine the role of this variant in disease. Therefore, it has been classified as a Variant of Uncertain Significance. Advanced modeling of protein sequence and biophysical properties (such as structural, functional, and spatial information, amino acid conservation, physicochemical variation, residue mobility, and thermodynamic stability) performed at Invitae indicates that this missense variant is expected to disrupt THBD protein function. This variant has not been reported in the literature in individuals affected with THBD-related conditions. This variant is not present in population databases (gnomAD no frequency). This sequence change replaces proline, which is neutral and non-polar, with serine, which is neutral and polar, at codon 459 of the THBD protein (p.Pro459Ser).